The following is an entry in ClinVar:

ClinVar aggregate classification (germline): Likely benign. Review status: criteria provided, multiple submitters, no conflicts (2 of 4 stars). 2 submissions from 2 submitters: Likely benign (2). Last evaluated 2025-03-24.

Conditions:
Malignant hyperthermia, susceptibility to, 1 (MHS1). Also called: RYR1-Related Malignant Hyperthermia Susceptibility; Malignant hyperthermia suceptibility 1; Anesthesia related hyperthermia; Malignant hyperpyrexia; Fulminating hyperpyrexia; Pharmacogenic myopathy. Identifiers: Orphanet 423, MedGen C2930980, MONDO:0007783, OMIM 145600.
RYR1-related disorder. Also called: RYR1-related condition; RYR1-related disorders. Identifiers: MedGen CN239331.

gnomAD v4.1: 2 of 1,613,950 alleles (0.00012%); highest among the groups gnomAD compares: Admixed American, 0.0017%; no homozygotes.

Submissions (2):

Labcorp Genetics (formerly Invitae), Labcorp
Classification: Likely benign for RYR1-related disorder. Last evaluated: 2025-03-24. Review status: criteria provided, single submitter. Criteria: Invitae Variant Classification Sherloc (09022015). Collection method: clinical testing. Allele origin: germline.

All of Us Research Program, National Institutes of Health
Classification: Likely benign for Malignant hyperthermia, susceptibility to, 1. Last evaluated: 2023-11-20. Review status: criteria provided, single submitter. Criteria: ACMG Guidelines, 2015. Collection method: clinical testing. Allele origin: germline. Inheritance: Autosomal dominant inheritance. Observed: 1 variant allele, 1 heterozygote.
Comment: This study involves interpretation of variants in research participants for the purpose of population health screening. Participant phenotype was not available at the time of variant classification. Additional details can be found in publication PMID: 35346344, PMCID: PMC8962531

NM_000540.3(RYR1):c.12462G>T (p.Pro4154=)

Gene: RYR1 (ryanodine receptor 1; plus strand). Cytogenetic location: 19q13.2.
Variant type: single nucleotide variant.
Coding change: c.12462G>T on transcript NM_000540.3 (MANE Select); coding-DNA position 12462, G replaced by T.
Protein change: p.Pro4154=; no amino-acid change (proline 4154 retained).
Molecular consequence: synonymous variant.
Genome position (GRCh38, 1-based): chr19:38,561,292, G>T. VCF-style: chr19-38561292-G-T. GRCh37 (hg19) VCF-style: chr19-39051932-G-T.
Other names: c.12447G>T, p.Pro4149= (NM_001042723.2).
Identifiers: ClinVar variation 2164452 (VCV002164452.5), dbSNP rs752478710, ClinGen allele CA058943.
Genomic context (GRCh38, chr19:38,561,292, plus strand): 5'-AGCACGCGACATCGGCTTCAACGTGGCGGTGCTGCTGACCAACCTGTCGGAGCATGTGCC[G>T]CATGACCCTCGCCTGCACAACTTCCTGGAGCTGGCCGAGAGCATCCTTGAGTACTTCCGC-3'
Protein context (NP_000531.2, residues 4144-4164): VLLTNLSEHV[Pro4154=]HDPRLHNFLE